The following is an entry in ClinVar:

NM_198525.3(KIF7):c.1211G>A (p.Arg404His)

Gene: KIF7 (kinesin family member 7; minus strand). Cytogenetic location: 15q26.1.
Variant type: single nucleotide variant.
Coding change: c.1211G>A on transcript NM_198525.3 (MANE Select); coding-DNA position 1211, G replaced by A.
Protein change: p.Arg404His; replaces arginine 404 with histidine.
Molecular consequence: missense variant.
Genome position (GRCh38, 1-based): chr15:89,648,487, C>T on the plus strand (G>A on the coding strand, the complement: KIF7 is on the minus strand). VCF-style: chr15-89648487-C-T. GRCh37 (hg19) VCF-style: chr15-90191718-C-T.
Other names: short protein forms R404H.
Identifiers: ClinVar variation 1302652 (VCV001302652.4), dbSNP rs1283535550, ClinGen allele CA393771890.

ClinVar aggregate classification (germline): Uncertain significance. Review status: criteria provided, multiple submitters, no conflicts (2 of 4 stars). 3 submissions from 3 submitters: Uncertain significance (3). Last evaluated 2025-04-17.

Conditions:
Acrocallosal syndrome (ACLS). Also called: Schinzel syndrome 1; Absence of corpus callosum with unusual facial appearance, mental deficiency, duplication of the halluces and polydactyly; HALLUX DUPLICATION, POSTAXIAL POLYDACTYLY, AND ABSENCE OF CORPUS CALLOSUM. Identifiers: Orphanet 36, MedGen C0796147, MONDO:0008708, OMIM 200990.

gnomAD v4.1: 2 of 1,041,766 alleles (0.00019%); highest among the groups gnomAD compares: African/African-American, 0.0035%; no homozygotes.

Submissions (3):

Labcorp Genetics (formerly Invitae), Labcorp
Classification: Uncertain significance for Acrocallosal syndrome. Last evaluated: 2025-04-17. Review status: criteria provided, single submitter. Criteria: Invitae Variant Classification Sherloc (09022015). Collection method: clinical testing. Allele origin: germline.
Comment: This sequence change replaces arginine, which is basic and polar, with histidine, which is basic and polar, at codon 404 of the KIF7 protein (p.Arg404His). This variant is present in population databases (no rsID available, gnomAD 0.01%). This variant has not been reported in the literature in individuals affected with KIF7-related conditions. ClinVar contains an entry for this variant (Variation ID: 1302652). Invitae Evidence Modeling of protein sequence and biophysical properties (such as structural, functional, and spatial information, amino acid conservation, physicochemical variation, residue mobility, and thermodynamic stability) indicates that this missense variant is not expected to disrupt KIF7 protein function with a negative predictive value of 80%. In summary, the available evidence is currently insufficient to determine the role of this variant in disease. Therefore, it has been classified as a Variant of Uncertain Significance.

Blueprint Genetics
Classification: Uncertain significance. Last evaluated: 2021-11-12. Review status: criteria provided, single submitter. Criteria: ACMG Guidelines, 2015. Collection method: clinical testing. Allele origin: germline.

GeneDx
Classification: Uncertain significance. Last evaluated: 2019-05-13. Review status: criteria provided, single submitter. Criteria: GeneDx Variant Classification Process June 2021. Collection method: clinical testing. Allele origin: germline. Affected: yes.
Comment: Not observed at a significant frequency in large population cohorts (Lek et al., 2016); In silico analysis, which includes protein predictors and evolutionary conservation, supports that this variant does not alter protein structure/function; Has not been previously published as pathogenic or benign to our knowledge